The following is an entry in ClinVar:

ClinVar aggregate classification (germline): Uncertain significance (1 of 4 stars; one submission).

Conditions:
Hereditary cancer-predisposing syndrome. Also called: Hereditary Cancer Syndrome; Neoplastic Syndromes, Hereditary; Tumor predisposition; Hereditary neoplastic syndrome. Identifiers: Orphanet 140162, MedGen C0027672, MeSH D009386, MONDO:0015356.

Submission:

Ambry Genetics
Classification: Uncertain significance for Hereditary cancer-predisposing syndrome. Last evaluated: 2022-08-28. Review status: criteria provided, single submitter. Criteria: Ambry Variant Classification Scheme 2023. Collection method: clinical testing. Allele origin: germline.
Comment: The p.Q169L variant (also known as c.506A>T), located in coding exon 3 of the XRCC2 gene, results from an A to T substitution at nucleotide position 506. The glutamine at codon 169 is replaced by leucine, an amino acid with dissimilar properties. This amino acid position is conserved. In addition, the in silico prediction for this alteration is inconclusive. Since supporting evidence is limited at this time, the clinical significance of this alteration remains unclear.

NM_005431.2(XRCC2):c.506A>T (p.Gln169Leu)

Gene: XRCC2 (X-ray repair cross complementing 2; minus strand). Cytogenetic location: 7q36.1.
Variant type: single nucleotide variant.
Coding change: c.506A>T on transcript NM_005431.2 (MANE Select); coding-DNA position 506, A replaced by T.
Protein change: p.Gln169Leu; replaces glutamine 169 with leucine.
Molecular consequence: missense variant.
Genome position (GRCh38, 1-based): chr7:152,648,979, T>A on the plus strand (A>T on the coding strand, the complement: XRCC2 is on the minus strand). VCF-style: chr7-152648979-T-A. GRCh37 (hg19) VCF-style: chr7-152346064-T-A.
Other names: short protein forms Q169L.
Identifiers: ClinVar variation 1745143 (VCV001745143.2), dbSNP rs747273692, ClinGen allele CA370198545.